The following is an entry in ClinVar:

ClinVar aggregate classification (germline): Benign. Review status: criteria provided, multiple submitters, no conflicts (2 of 4 stars). 4 submissions from 4 submitters: Benign (3). 1 of the submissions does not count toward it. Last evaluated 2025-12-30.

Conditions:
THAP11-related disorder. Also called: THAP11-related condition.

Allele frequency attached by ClinVar (database versions not stated): 1000 Genomes Project 30x 0.00047; gnomAD exomes 0.00105 and 0.00167; gnomAD 0.00113 and 0.00121; TOPMed 0.00118; ExAC 0.00122.
gnomAD v4.1: 2,458 of 1,537,622 alleles (0.16%); highest among the groups gnomAD compares: Non-Finnish European, 0.2%; 4 homozygotes.

Submissions (4):

Labcorp Genetics (formerly Invitae), Labcorp
Classification: Benign. Last evaluated: 2025-12-30. Review status: criteria provided, single submitter. Criteria: Invitae Variant Classification Sherloc (09022015). Collection method: clinical testing. Allele origin: germline.

Women's Health and Genetics/Laboratory Corporation of America, LabCorp
Classification: Benign. Last evaluated: 2024-08-08. Review status: criteria provided, single submitter. Criteria: LabCorp Variant Classification Summary - May 2015. Collection method: clinical testing. Allele origin: germline.
Comment: Variant summary: CENPT c.-492+4829G>A is located in the untranslated mRNA region upstream of the initiation codon. This variant corresponds to a synonymous variant in a different gene, i.e. THAP11 c.18C>T (p.Cys6=). Consensus agreement among computation tools predict no significant impact on normal splicing. However, these predictions have yet to be confirmed by functional studies. The variant allele was found at a frequency of 0.0016 in 1530762 control chromosomes in the gnomAD database (v4.1 dataset), including 4 homozygotes. To our knowledge, no occurrence of c.-492+4829G>A in individuals affected with Short Stature and Microcephaly with Genital Anomalies and no experimental evidence demonstrating its impact on protein function have been reported. ClinVar contains an entry for this variant (Variation ID: 1544891). Based on the evidence outlined above, the variant was classified as benign.

Breakthrough Genomics
Classification: Benign. Review status: criteria provided, single submitter. Criteria: ACMG Guidelines, 2015. Collection method: not provided. Allele origin: germline. Inheritance: Unknown mechanism. Affected: yes.

PreventionGenetics, part of Exact Sciences
Classification: Likely benign for THAP11-related condition. Last evaluated: 2024-03-04. Review status: no assertion criteria provided. Collection method: clinical testing. Allele origin: germline. Not counted in ClinVar's aggregate classification.
Comment: This variant is classified as likely benign based on ACMG/AMP sequence variant interpretation guidelines (Richards et al. 2015 PMID: 25741868, with internal and published modifications).

NM_020457.3(THAP11):c.18C>T (p.Cys6=)

Genes: CENPT (centromere protein T; minus strand), THAP11 (THAP domain containing 11; plus strand). Cytogenetic location: 16q22.1.
Variant type: single nucleotide variant.
Coding change: c.18C>T on transcript NM_020457.3 (MANE Select); coding-DNA position 18, C replaced by T.
Protein change: p.Cys6=; no amino-acid change (cysteine 6 retained).
Molecular consequence: synonymous variant. On other transcripts: intron variant (1).
Genome position (GRCh38, 1-based): chr16:67,842,572, C>T. VCF-style: chr16-67842572-C-T. GRCh37 (hg19) VCF-style: chr16-67876475-C-T.
Other names: c.-492+4829G>A (NM_025082.4).
Identifiers: ClinVar variation 1544891 (VCV001544891.12), dbSNP rs772198898, ClinGen allele CA8118113.